The following is an entry in ClinVar:

NM_000843.4(GRM6):c.1691C>T (p.Pro564Leu)

Genes: GRM6 (glutamate metabotropic receptor 6; minus strand), ZNF454 (zinc finger protein 454; plus strand). Cytogenetic location: 5q35.3.
Variant type: single nucleotide variant.
Coding change: c.1691C>T on transcript NM_000843.4 (MANE Select); coding-DNA position 1691, C replaced by T.
Protein change: p.Pro564Leu; replaces proline 564 with leucine.
Molecular consequence: missense variant.
Genome position (GRCh38, 1-based): chr5:178,986,563, G>A on the plus strand (C>T on the coding strand, the complement: GRM6 is on the minus strand). VCF-style: chr5-178986563-G-A. GRCh37 (hg19) VCF-style: chr5-178413564-G-A.
Other names: short protein forms P564L.
Identifiers: ClinVar variation 2049867 (VCV002049867.3), dbSNP rs2113329102, ClinGen allele CA362427538.

ClinVar aggregate classification (germline): Uncertain significance (1 of 4 stars; one submission).

Submission:

Labcorp Genetics (formerly Invitae), Labcorp
Classification: Uncertain significance. Last evaluated: 2024-11-11. Review status: criteria provided, single submitter. Criteria: Invitae Variant Classification Sherloc (09022015). Collection method: clinical testing. Allele origin: germline.
Comment: This sequence change replaces proline, which is neutral and non-polar, with leucine, which is neutral and non-polar, at codon 564 of the GRM6 protein (p.Pro564Leu). This variant is not present in population databases (gnomAD no frequency). This variant has not been reported in the literature in individuals affected with GRM6-related conditions. ClinVar contains an entry for this variant (Variation ID: 2049867). Invitae Evidence Modeling of protein sequence and biophysical properties (such as structural, functional, and spatial information, amino acid conservation, physicochemical variation, residue mobility, and thermodynamic stability) indicates that this missense variant is expected to disrupt GRM6 protein function with a positive predictive value of 95%. In summary, the available evidence is currently insufficient to determine the role of this variant in disease. Therefore, it has been classified as a Variant of Uncertain Significance.